The following is an entry in ClinVar:

ClinVar aggregate classification (germline): Uncertain significance (1 of 4 stars; one submission).

Conditions:
Amyotrophic lateral sclerosis type 8 (ALS8). Identifiers: Orphanet 803, MedGen C1837728, MONDO:0012077, OMIM 608627.
Adult-onset proximal spinal muscular atrophy, autosomal dominant. Also called: FINKEL LATE-ADULT TYPE SMA; Spinal muscular atrophy, late-onset, finkel type. Identifiers: Orphanet 209335, MedGen C1854058, MONDO:0008453, OMIM 182980.

Allele frequency attached by ClinVar (database versions not stated): gnomAD exomes below 0.00001.

Submission:

Labcorp Genetics (formerly Invitae), Labcorp
Classification: Uncertain significance for Adult-onset proximal spinal muscular atrophy, autosomal dominant; Amyotrophic lateral sclerosis type 8. Last evaluated: 2021-12-21. Review status: criteria provided, single submitter. Criteria: Invitae Variant Classification Sherloc (09022015). Collection method: clinical testing. Allele origin: germline.
Comment: This variant has not been reported in the literature in individuals affected with VAPB-related conditions. This variant is not present in population databases (gnomAD no frequency). This sequence change replaces proline, which is neutral and non-polar, with serine, which is neutral and polar, at codon 151 of the VAPB protein (p.Pro151Ser). ClinVar contains an entry for this variant (Variation ID: 852124). In summary, the available evidence is currently insufficient to determine the role of this variant in disease. Therefore, it has been classified as a Variant of Uncertain Significance. Algorithms developed to predict the effect of missense changes on protein structure and function output the following: SIFT: "Not Available"; PolyPhen-2: "Benign"; Align-GVGD: "Not Available". The serine amino acid residue is found in multiple mammalian species, which suggests that this missense change does not adversely affect protein function.

NM_004738.5(VAPB):c.451C>T (p.Pro151Ser)

Gene: VAPB (VAMP associated protein B and C; plus strand). Cytogenetic location: 20q13.32.
Variant type: single nucleotide variant.
Coding change: c.451C>T on transcript NM_004738.5 (MANE Select); coding-DNA position 451, C replaced by T.
Protein change: p.Pro151Ser; replaces proline 151 with serine.
Molecular consequence: missense variant. On other transcripts: non-coding transcript variant (1), intron variant (1).
Genome position (GRCh38, 1-based): chr20:58,440,961, C>T. VCF-style: chr20-58440961-C-T. GRCh37 (hg19) VCF-style: chr20-57016017-C-T.
Other names: c.212-3116C>T (NM_001195677.2); short protein forms P151S.
Identifiers: ClinVar variation 852124 (VCV000852124.10), dbSNP rs1989146263, ClinGen allele CA409439622.
Genomic context (GRCh38, chr20:58,440,961, plus strand): 5'-GAACAGCATGATGTAGAAATAAATAAAATTATATCCACAACTGCATCAAAGACAGAAACA[C>T]CAATAGTGTCTAAGTCTCTGAGTTCTTCTTTGGATGACACCGAAGTTAAGAAGGTTATGG-3'
Protein context (NP_004729.1, residues 141-161): ISTTASKTET[Pro151Ser]IVSKSLSSSL